The following is an entry in ClinVar:

ClinVar aggregate classification (germline): Likely benign. Review status: criteria provided, multiple submitters, no conflicts (2 of 4 stars). 2 submissions from 2 submitters: Likely benign (2). Last evaluated 2025-12-13.

Conditions:
ERF-related disorder. Also called: ERF-related disorders; ERF-related condition.

gnomAD v4.1: 203 of 1,606,314 alleles (0.013%); highest among the groups gnomAD compares: Non-Finnish European, 0.016%; no homozygotes.

Submissions (2):

PreventionGenetics, part of Exact Sciences
Classification: Likely benign for ERF-related condition. Last evaluated: 2025-12-13. Review status: criteria provided, single submitter. Criteria: ACMG Guidelines, 2015. Collection method: clinical testing. Allele origin: germline.
Comment: This variant is classified as likely benign based on ACMG/AMP sequence variant interpretation guidelines (Richards et al. 2015 PMID: 25741868, with internal and published modifications).

Blueprint Genetics
Classification: Likely benign. Last evaluated: 2024-03-04. Review status: criteria provided, single submitter. Criteria: ACMG Guidelines, 2015. Collection method: clinical testing. Allele origin: germline.

NM_006494.4(ERF):c.1158C>T (p.Arg386=)

Gene: ERF (ETS2 repressor factor; minus strand). Cytogenetic location: 19q13.2.
Variant type: single nucleotide variant.
Coding change: c.1158C>T on transcript NM_006494.4 (MANE Select); coding-DNA position 1158, C replaced by T.
Protein change: p.Arg386=; no amino-acid change (arginine 386 retained).
Molecular consequence: synonymous variant.
Genome position (GRCh38, 1-based): chr19:42,248,954, G>A on the plus strand (C>T on the coding strand, the complement: ERF is on the minus strand). VCF-style: chr19-42248954-G-A. GRCh37 (hg19) VCF-style: chr19-42753106-G-A.
Other names: c.933C>T, p.Arg311= (NM_001301035.2, NM_001308402.2, NM_001312656.2 and 1 more transcripts); c.351C>T, p.Arg117= (NM_001440421.1); c.1158C>T (NM_006494.3).
Identifiers: ClinVar variation 4942576 (VCV004942576.2).
Genomic context (GRCh38, chr19:42,248,954, plus strand): 5'-TGCACTGCCACCGCTCTTGTCAGCACCGGCTACGGCCTTCTCCCCAGCTGCCCGCTGCCG[G>A]CGTCCGAGTGGGGGCGGCTGGAGCTTAAACTTGAATGGGGAGGAAGAAGAAGAAGAGGAT-3'
Protein context (NP_006485.2, residues 376-396): KFKLQPPPLG[Arg386=]RQRAAGEKAV